The following is an entry in ClinVar:

ClinVar aggregate classification (germline): Uncertain significance (1 of 4 stars; one submission).

Conditions:
Hypertrophic cardiomyopathy. Also called: HYPERTROPHIC MYOCARDIOPATHY. Identifiers: Orphanet 217569, MedGen C0007194, MeSH D002312, MONDO:0005045, HP:0001639.

Submission:

Labcorp Genetics (formerly Invitae), Labcorp
Classification: Uncertain significance for Hypertrophic cardiomyopathy. Last evaluated: 2022-05-10. Review status: criteria provided, single submitter. Criteria: Invitae Variant Classification Sherloc (09022015). Collection method: clinical testing. Allele origin: germline.
Comment: In summary, the available evidence is currently insufficient to determine the role of this variant in disease. Therefore, it has been classified as a Variant of Uncertain Significance. Algorithms developed to predict the effect of missense changes on protein structure and function (SIFT, PolyPhen-2, Align-GVGD) all suggest that this variant is likely to be tolerated. This variant has not been reported in the literature in individuals affected with JPH2-related conditions. This variant is not present in population databases (gnomAD no frequency). This sequence change replaces glutamic acid, which is acidic and polar, with aspartic acid, which is acidic and polar, at codon 421 of the JPH2 protein (p.Glu421Asp).

NM_020433.5(JPH2):c.1263G>T (p.Glu421Asp)

Gene: JPH2 (junctophilin 2; minus strand). Cytogenetic location: 20q13.12.
Variant type: single nucleotide variant.
Coding change: c.1263G>T on transcript NM_020433.5 (MANE Select); coding-DNA position 1263, G replaced by T.
Protein change: p.Glu421Asp; replaces glutamic acid 421 with aspartic acid.
Molecular consequence: missense variant.
Genome position (GRCh38, 1-based): chr20:44,118,530, C>A on the plus strand (G>T on the coding strand, the complement: JPH2 is on the minus strand). VCF-style: chr20-44118530-C-A. GRCh37 (hg19) VCF-style: chr20-42747170-C-A.
Other names: short protein forms E421D.
Identifiers: ClinVar variation 1992741 (VCV001992741.4), dbSNP rs2515719703, ClinGen allele CA409101707.